The following is an entry in ClinVar:

NM_020631.6(PLEKHG5):c.1510G>A (p.Glu504Lys)

Gene: PLEKHG5 (pleckstrin homology and RhoGEF domain containing G5; minus strand). Cytogenetic location: 1p36.31.
Variant type: single nucleotide variant.
Coding change: c.1510G>A on transcript NM_020631.6 (MANE Select); coding-DNA position 1510, G replaced by A.
Protein change: p.Glu504Lys; replaces glutamic acid 504 with lysine.
Molecular consequence: missense variant.
Genome position (GRCh38, 1-based): chr1:6,470,767, C>T on the plus strand (G>A on the coding strand, the complement: PLEKHG5 is on the minus strand). VCF-style: chr1-6470767-C-T. GRCh37 (hg19) VCF-style: chr1-6530827-C-T.
Other names: c.1621G>A, p.Glu541Lys (NM_001042663.3, NM_001265592.2); c.1510G>A, p.Glu504Lys (NM_001042664.2, NM_001042665.2, NM_001265594.3 and 1 more transcripts); c.1717G>A, p.Glu573Lys (NM_001265593.2); short protein forms E504K, E573K, E541K.
Identifiers: ClinVar variation 568223 (VCV000568223.5), dbSNP rs552364487, ClinGen allele CA561500.

ClinVar aggregate classification (germline): Uncertain significance. Review status: criteria provided, multiple submitters, no conflicts (2 of 4 stars). 2 submissions from 2 submitters: Uncertain significance (2). Last evaluated 2024-10-04.

Conditions:
Charcot-Marie-Tooth disease recessive intermediate C. Also called: CHARCOT-MARIE-TOOTH NEUROPATHY, RECESSIVE INTERMEDIATE C. Identifiers: Orphanet 369867, MedGen C3809309, MONDO:0014154, OMIM 615376.
Neuronopathy, distal hereditary motor, autosomal recessive 4. Also called: Autosomal recessive lower motor neuron disease with childhood onset; NEUROPATHY, DISTAL HEREDITARY MOTOR, AUTOSOMAL RECESSIVE 4. Identifiers: Orphanet 206580, MedGen C1970211, MONDO:0012608, OMIM 611067.
Inborn genetic diseases. Identifiers: MedGen C0950123, MeSH D030342.

Allele frequency attached by ClinVar (database versions not stated): gnomAD exomes 0.00001 and 0.00003; ExAC 0.00004; gnomAD 0.00007 and 0.00008; TOPMed 0.00008; 1000 Genomes Project 30x 0.00016; 1000 Genomes Project 0.00020.
gnomAD v4.1: 27 of 1,565,422 alleles (0.0017%); highest among the groups gnomAD compares: African/African-American, 0.028%; no homozygotes.

Submissions (2):

Ambry Genetics
Classification: Uncertain significance for Inborn genetic diseases. Last evaluated: 2024-10-04. Review status: criteria provided, single submitter. Criteria: Ambry Variant Classification Scheme 2023. Collection method: clinical testing. Allele origin: germline.

Labcorp Genetics (formerly Invitae), Labcorp
Classification: Uncertain significance for Neuronopathy, distal hereditary motor, autosomal recessive 4; Charcot-Marie-Tooth disease recessive intermediate C. Last evaluated: 2022-08-15. Review status: criteria provided, single submitter. Criteria: Invitae Variant Classification Sherloc (09022015). Collection method: clinical testing. Allele origin: germline.
Comment: This sequence change replaces glutamic acid, which is acidic and polar, with lysine, which is basic and polar, at codon 504 of the PLEKHG5 protein (p.Glu504Lys). This variant is present in population databases (rs552364487, gnomAD 0.02%). This variant has not been reported in the literature in individuals affected with PLEKHG5-related conditions. ClinVar contains an entry for this variant (Variation ID: 568223). Algorithms developed to predict the effect of missense changes on protein structure and function are either unavailable or do not agree on the potential impact of this missense change (SIFT: "Deleterious"; PolyPhen-2: "Benign"; Align-GVGD: "Class C0"). In summary, the available evidence is currently insufficient to determine the role of this variant in disease. Therefore, it has been classified as a Variant of Uncertain Significance.